The following is an entry in ClinVar:

ClinVar aggregate classification (germline): Pathogenic. Review status: criteria provided, single submitter (1 of 4 stars). 2 submissions from 2 submitters: Pathogenic (1). 1 of the submissions does not count toward it. Last evaluated 2022-05-31.

Conditions:
Hypertrophic osteoarthropathy, primary, autosomal recessive, 2 (PHOAR2E). Also called: HYPERTROPHIC OSTEOARTHROPATHY, PRIMARY, AUTOSOMAL RECESSIVE, 2/ENTEROPATHY SYNDROME; PACHYDERMOPERIOSTOSIS, AUTOSOMAL RECESSIVE; PDP, AUTOSOMAL RECESSIVE; PHOAR2-enteropathy syndrome. Identifiers: Orphanet 2796, MedGen C3280800, MONDO:0013756, OMIM 614441.

Allele frequency attached by ClinVar (database versions not stated): gnomAD exomes below 0.00001; ExAC 0.00001.

Submissions (2):

Labcorp Genetics (formerly Invitae), Labcorp
Classification: Pathogenic. Last evaluated: 2022-05-31. Review status: criteria provided, single submitter. Criteria: Invitae Variant Classification Sherloc (09022015). Collection method: clinical testing. Allele origin: germline.
Comment: For these reasons, this variant has been classified as Pathogenic. This variant disrupts a region of the SLCO2A1 protein in which other variant(s) (p.Arg603*) have been determined to be pathogenic (PMID: 24153155, 24929850). This suggests that this is a clinically significant region of the protein, and that variants that disrupt it are likely to be disease-causing. This variant has not been reported in the literature in individuals affected with SLCO2A1-related conditions. This variant is present in population databases (rs758054913, gnomAD 0.003%). This sequence change creates a premature translational stop signal (p.Arg590Glyfs*39) in the SLCO2A1 gene. While this is not anticipated to result in nonsense mediated decay, it is expected to disrupt the last 54 amino acid(s) of the SLCO2A1 protein.

OMIM
Classification: Pathogenic for PHOAR2-ENTEROPATHY SYNDROME. Last evaluated: 2024-02-13. Review status: no assertion criteria provided. Collection method: literature only. Allele origin: germline. Not counted in ClinVar's aggregate classification.

Literature cited by the submitters: PubMed 24153155 (cited by Labcorp Genetics (formerly Invitae), Labcorp); PubMed 24929850 (cited by Labcorp Genetics (formerly Invitae), Labcorp); PubMed 37915296 (cited by OMIM).

NM_005630.3(SLCO2A1):c.1768del (p.Arg590fs)

Gene: SLCO2A1 (solute carrier organic anion transporter family member 2A1; minus strand). Cytogenetic location: 3q22.1.
Variant type: Deletion.
Coding change: c.1768del on transcript NM_005630.3 (MANE Select); coding-DNA position 1768, one base deleted (A; older notation c.1768delA).
Protein change: p.Arg590fs; shifts the reading frame from arginine 590.
Molecular consequence: frameshift variant.
Genome position (GRCh38, 1-based): chr3:133,935,820, T deleted on the plus strand (A on the coding strand, the reverse complement: SLCO2A1 is on the minus strand). VCF-style (leftmost placement, unchanged base first): chr3-133935819-CT-C. GRCh37 (hg19) VCF-style: chr3-133654663-CT-C.
Other names: short protein forms R590fs.
Identifiers: ClinVar variation 1978090 (VCV001978090.6), dbSNP rs758054913, ClinGen allele CA2626325.
Genomic context (GRCh38, chr3:133,935,819, plus strand): 5'-ATGATGGGCCCTCACCTGTCTCGGAGAGCATCGTTGTCATAGTAGGCGCAGGCCCCTCGC[CT>C]CCCCAAGCACAGCGAGTTCCACCGGATGCAGGAGTGGTCAATGGTGAGGCCATAGAGGGC-3'